The following is an entry in ClinVar:

ClinVar aggregate classification (germline): Uncertain significance (1 of 4 stars; one submission).

Conditions:
Cardiovascular phenotype. Identifiers: MedGen CN230736.

Submission:

Ambry Genetics
Classification: Uncertain significance for Cardiovascular phenotype. Last evaluated: 2026-03-11. Review status: criteria provided, single submitter. Criteria: Ambry Variant Classification Scheme 2023. Collection method: clinical testing. Allele origin: germline.
Comment: The p.A895S variant (also known as c.2683G>T), located in coding exon 8 of the AKAP9 gene, results from a G to T substitution at nucleotide position 2683. The alanine at codon 895 is replaced by serine, an amino acid with similar properties. This amino acid position is conserved. In addition, this alteration is predicted to be tolerated by in silico analysis. Based on the available evidence, the clinical significance of this variant remains unclear.

NM_005751.5(AKAP9):c.2683G>T (p.Ala895Ser)

Gene: AKAP9 (A-kinase anchoring protein 9; plus strand). Cytogenetic location: 7q21.2.
Variant type: single nucleotide variant.
Coding change: c.2683G>T on transcript NM_005751.5 (MANE Select); coding-DNA position 2683, G replaced by T.
Protein change: p.Ala895Ser; replaces alanine 895 with serine.
Molecular consequence: missense variant.
Genome position (GRCh38, 1-based): chr7:92,002,600, G>T. VCF-style: chr7-92002600-G-T. GRCh37 (hg19) VCF-style: chr7-91631914-G-T.
Other names: c.2683G>T, p.Ala895Ser (NM_147185.3); short protein forms A895S.
Identifiers: ClinVar variation 4826442 (VCV004826442.1).
Genomic context (GRCh38, chr7:92,002,600, plus strand): 5'-AAAGATGATTTAGAAGACAGTAAAAATAAACAGGAATTAGAGTATAAAAGTAAACTTAAA[G>T]CACTTAATGAAGAGCTTCATTTGCAAAGAATAAATCCAACTACAGTGAAAATGAAAAGTT-3'
Protein context (NP_005742.4, residues 885-905): QELEYKSKLK[Ala895Ser]LNEELHLQRI